The following is an entry in ClinVar:

NM_001044385.3(TMEM237):c.65C>T (p.Pro22Leu)

Gene: TMEM237 (transmembrane protein 237; minus strand). Cytogenetic location: 2q33.1.
Variant type: single nucleotide variant.
Coding change: c.65C>T on transcript NM_001044385.3 (MANE Select); coding-DNA position 65, C replaced by T.
Protein change: p.Pro22Leu; replaces proline 22 with leucine.
Molecular consequence: missense variant.
Genome position (GRCh38, 1-based): chr2:201,640,902, G>A on the plus strand (C>T on the coding strand, the complement: TMEM237 is on the minus strand). VCF-style: chr2-201640902-G-A. GRCh37 (hg19) VCF-style: chr2-202505625-G-A.
Other names: c.41C>T, p.Pro14Leu (NM_152388.4); short protein forms P14L, P22L.
Identifiers: ClinVar variation 1511072 (VCV001511072.6), dbSNP rs769861092, ClinGen allele CA2056621.

ClinVar aggregate classification (germline): Uncertain significance (1 of 4 stars; one submission).

Conditions:
Joubert syndrome 14 (JBTS14). Identifiers: MedGen C3280766, MONDO:0013745, OMIM 614424.

Allele frequency attached by ClinVar (database versions not stated): gnomAD exomes below 0.00001; ExAC 0.00001.

Submission:

Labcorp Genetics (formerly Invitae), Labcorp
Classification: Uncertain significance for Joubert syndrome 14. Last evaluated: 2021-11-02. Review status: criteria provided, single submitter. Criteria: Invitae Variant Classification Sherloc (09022015). Collection method: clinical testing. Allele origin: germline.
Comment: This variant has not been reported in the literature in individuals affected with TMEM237-related conditions. In summary, the available evidence is currently insufficient to determine the role of this variant in disease. Therefore, it has been classified as a Variant of Uncertain Significance. Algorithms developed to predict the effect of missense changes on protein structure and function are either unavailable or do not agree on the potential impact of this missense change (SIFT: "Deleterious"; PolyPhen-2: "Probably Damaging"; Align-GVGD: "Class C0"). The frequency data for this variant in the population databases is considered unreliable, as metrics indicate poor data quality at this position in the gnomAD database. This sequence change replaces proline, which is neutral and non-polar, with leucine, which is neutral and non-polar, at codon 22 of the TMEM237 protein (p.Pro22Leu).